The following is an entry in ClinVar:

NM_006364.4(SEC23A):c.1460A>G (p.His487Arg)

Gene: SEC23A (SEC23 homolog A, COPII component; minus strand). Cytogenetic location: 14q21.1.
Variant type: single nucleotide variant.
Coding change: c.1460A>G on transcript NM_006364.4 (MANE Select); coding-DNA position 1460, A replaced by G.
Protein change: p.His487Arg; replaces histidine 487 with arginine.
Molecular consequence: missense variant.
Genome position (GRCh38, 1-based): chr14:39,061,810, T>C on the plus strand (A>G on the coding strand, the complement: SEC23A is on the minus strand). VCF-style: chr14-39061810-T-C. GRCh37 (hg19) VCF-style: chr14-39531014-T-C.
Other names: c.1460A>G (NM_006364.2); short protein forms H487R.
Identifiers: ClinVar variation 1426950 (VCV001426950.9), dbSNP rs770112771, ClinGen allele CA7161836.

ClinVar aggregate classification (germline): Uncertain significance. Review status: criteria provided, multiple submitters, no conflicts (2 of 4 stars). 2 submissions from 2 submitters: Uncertain significance (2). Last evaluated 2025-10-02.

Conditions:
Craniolenticulosutural dysplasia (CLSD). Also called: BOYADJIEV-JABS SYNDROME. Identifiers: Orphanet 50814, MedGen C1843042, MONDO:0011911, OMIM 607812.

Allele frequency attached by ClinVar (database versions not stated): gnomAD 0.00001; TOPMed 0.00001; ExAC 0.00002.
gnomAD v4.1: 12 of 1,613,866 alleles (0.00074%); highest among the groups gnomAD compares: Admixed American, 0.0083%; no homozygotes.

Submissions (2):

Ambry Genetics
Classification: Uncertain significance. Last evaluated: 2025-10-02. Review status: criteria provided, single submitter. Criteria: Ambry Variant Classification Scheme 2023. Collection method: clinical testing. Allele origin: germline.

Labcorp Genetics (formerly Invitae), Labcorp
Classification: Uncertain significance for Craniolenticulosutural dysplasia. Last evaluated: 2022-07-29. Review status: criteria provided, single submitter. Criteria: Invitae Variant Classification Sherloc (09022015). Collection method: clinical testing. Allele origin: germline.
Comment: ClinVar contains an entry for this variant (Variation ID: 1426950). This variant has not been reported in the literature in individuals affected with SEC23A-related conditions. This variant is present in population databases (rs770112771, gnomAD 0.006%). This sequence change replaces histidine, which is basic and polar, with arginine, which is basic and polar, at codon 487 of the SEC23A protein (p.His487Arg). Algorithms developed to predict the effect of missense changes on protein structure and function are either unavailable or do not agree on the potential impact of this missense change (SIFT: "Not Available"; PolyPhen-2: "Benign"; Align-GVGD: "Not Available"). In summary, the available evidence is currently insufficient to determine the role of this variant in disease. Therefore, it has been classified as a Variant of Uncertain Significance.